The following is an entry in ClinVar:

ClinVar aggregate classification (germline): Benign. Review status: criteria provided, multiple submitters, no conflicts (2 of 4 stars). 3 submissions from 3 submitters: Benign (3). Last evaluated 2023-11-01.

Allele frequency attached by ClinVar (database versions not stated): 1000 Genomes Project 30x 0.00094; 1000 Genomes Project 0.00100; ESP Exome Variant Server 0.00200; gnomAD 0.00205 and 0.00212; TOPMed 0.00206; gnomAD exomes 0.00230 and 0.00276; ExAC 0.00267.
gnomAD v4.1: 4,336 of 1,604,400 alleles (0.27%); highest among the groups gnomAD compares: Middle Eastern, 1.1%; 11 homozygotes.

Submissions (3):

CeGaT Center for Human Genetics Tuebingen
Classification: Benign. Last evaluated: 2023-11-01. Review status: criteria provided, single submitter. Criteria: CeGaT Center For Human Genetics Tuebingen Variant Classification Criteria Version 2. Collection method: clinical testing. Allele origin: germline. Affected: yes. Observed: 2 variant alleles.
Comment: CROCC: BP4, BS1, BS2

Labcorp Genetics (formerly Invitae), Labcorp
Classification: Benign. Last evaluated: 2018-08-22. Review status: criteria provided, single submitter. Criteria: Invitae Variant Classification Sherloc (09022015). Collection method: clinical testing. Allele origin: germline.

Breakthrough Genomics
Classification: Benign. Review status: criteria provided, single submitter. Criteria: ACMG Guidelines, 2015. Collection method: not provided. Allele origin: germline. Inheritance: Unknown mechanism. Affected: yes.

NM_014675.5(CROCC):c.5722C>T (p.Arg1908Cys)

Gene: CROCC (ciliary rootlet coiled-coil, rootletin; plus strand). Cytogenetic location: 1p36.13.
Variant type: single nucleotide variant.
Coding change: c.5722C>T on transcript NM_014675.5 (MANE Select); coding-DNA position 5722, C replaced by T.
Protein change: p.Arg1908Cys; replaces arginine 1908 with cysteine.
Molecular consequence: missense variant.
Genome position (GRCh38, 1-based): chr1:16,970,705, C>T. VCF-style: chr1-16970705-C-T. GRCh37 (hg19) VCF-style: chr1-17297200-C-T.
Other names: short protein forms R1908C.
Identifiers: ClinVar variation 771109 (VCV000771109.28), dbSNP rs147926226, ClinGen allele CA636056.
Genomic context (GRCh38, chr1:16,970,705, plus strand): 5'-GAGAAGCTTCGTAGCCATGAGGACACAGTGCGGCTGAGCGCAGAGAAGGGCCGCCTGGAC[C>T]GCACCCTCACGGGGGCTGAGCTGGAGCTGGCAGAGGCGCAGAGGCAGATCCAGCAGCTGG-3'
Protein context (NP_055490.4, residues 1898-1918): RLSAEKGRLD[Arg1908Cys]TLTGAELELA